The following is an entry in ClinVar:

ClinVar aggregate classification (germline): Pathogenic/Likely pathogenic. Review status: criteria provided, multiple submitters, no conflicts (2 of 4 stars). 2 submissions from 2 submitters: Pathogenic (1); Likely pathogenic (1). Last evaluated 2025-08-26.

Conditions:
Fanconi anemia (FA). Also called: Fanconi's anemia. Identifiers: Orphanet 84, MedGen C0015625, MeSH D005199, MONDO:0019391.
Fanconi anemia complementation group D2. Also called: FANCD2-Related Fanconi Anemia; FANCONI PANCYTOPENIA, TYPE 4; FANCONI ANEMIA, COMPLEMENTATION GROUP D. Identifiers: Orphanet 84, MedGen C3160738, MONDO:0009214, OMIM 227646.

Submissions (2):

Labcorp Genetics (formerly Invitae), Labcorp
Classification: Pathogenic for Fanconi anemia. Last evaluated: 2025-08-26. Review status: criteria provided, single submitter. Criteria: Invitae Variant Classification Sherloc (09022015). Collection method: clinical testing. Allele origin: germline.
Comment: This sequence change creates a premature translational stop signal (p.Thr914Aspfs*7) in the FANCD2 gene. It is expected to result in an absent or disrupted protein product. Loss-of-function variants in FANCD2 are known to be pathogenic (PMID: 17436244). This variant is not present in population databases (gnomAD no frequency). This variant has not been reported in the literature in individuals affected with FANCD2-related conditions. ClinVar contains an entry for this variant (Variation ID: 2675503). For these reasons, this variant has been classified as Pathogenic.

Baylor Genetics
Classification: Likely pathogenic for Fanconi anemia complementation group D2. Last evaluated: 2024-03-14. Review status: criteria provided, single submitter. Criteria: ACMG Guidelines, 2015. Collection method: clinical testing. Allele origin: unknown.

Literature cited by the submitters: PubMed 17436244 (cited by Labcorp Genetics (formerly Invitae), Labcorp).

NM_001018115.3(FANCD2):c.2738dup (p.Thr914fs)

Genes: FANCD2 (FA complementation group D2; plus strand), LOC107303338 (3p25 FANCD2 Alu-mediated recombination region; plus strand). Cytogenetic location: 3p25.3.
Variant type: Duplication.
Coding change: c.2738dup on transcript NM_001018115.3 (MANE Select); coding-DNA position 2738, one base duplicated (A; older notation c.2738dupA).
Protein change: p.Thr914fs; shifts the reading frame from threonine 914.
Molecular consequence: frameshift variant.
Genome position (GRCh38, 1-based): chr3:10,074,552, A duplicated; the last of 4 consecutive A bases (chr3:10,074,549-10,074,552); duplicating any one gives the same sequence. VCF-style (leftmost placement, unchanged base first): chr3-10074548-G-GA. GRCh37 (hg19) VCF-style: chr3-10116232-G-GA.
Other names: c.2738dup, p.Thr914fs (NM_001319984.2, NM_001374254.1, NM_033084.6); c.2627dup, p.Thr877fs (NM_001374253.1); short protein forms T877fs, T914fs.
Identifiers: ClinVar variation 2675503 (VCV002675503.3), dbSNP rs2469996846, ClinGen allele CA2695197722.